The following is an entry in ClinVar:

NM_003803.4(MYOM1):c.4417G>A (p.Glu1473Lys)

Gene: MYOM1 (myomesin 1; minus strand). Cytogenetic location: 18p11.31.
Variant type: single nucleotide variant.
Coding change: c.4417G>A on transcript NM_003803.4 (MANE Select); coding-DNA position 4417, G replaced by A.
Protein change: p.Glu1473Lys; replaces glutamic acid 1473 with lysine.
Molecular consequence: missense variant.
Genome position (GRCh38, 1-based): chr18:3,083,856, C>T on the plus strand (G>A on the coding strand, the complement: MYOM1 is on the minus strand). VCF-style: chr18-3083856-C-T. GRCh37 (hg19) VCF-style: chr18-3083854-C-T.
Other names: c.4129G>A, p.Glu1377Lys (NM_019856.2); short protein forms E1473K, E1377K.
Identifiers: ClinVar variation 2756245 (VCV002756245.4), dbSNP rs775856550, ClinGen allele CA8873945.

ClinVar aggregate classification (germline): Uncertain significance. Review status: criteria provided, multiple submitters, no conflicts (2 of 4 stars). 2 submissions from 2 submitters: Uncertain significance (2). Last evaluated 2024-05-21.

Conditions:
Hypertrophic cardiomyopathy. Also called: HYPERTROPHIC MYOCARDIOPATHY. Identifiers: Orphanet 217569, MedGen C0007194, MeSH D002312, MONDO:0005045, HP:0001639.

Allele frequency attached by ClinVar (database versions not stated): gnomAD 0.00001; TOPMed 0.00003; ExAC 0.00018.
gnomAD v4.1: 39 of 1,583,610 alleles (0.0025%); highest among the groups gnomAD compares: Middle Eastern, 0.017%; no homozygotes.

Submissions (2):

Labcorp Genetics (formerly Invitae), Labcorp
Classification: Uncertain significance for Hypertrophic cardiomyopathy. Last evaluated: 2024-05-21. Review status: criteria provided, single submitter. Criteria: Invitae Variant Classification Sherloc (09022015). Collection method: clinical testing. Allele origin: germline.
Comment: This sequence change replaces glutamic acid, which is acidic and polar, with lysine, which is basic and polar, at codon 1473 of the MYOM1 protein (p.Glu1473Lys). The frequency data for this variant in the population databases is considered unreliable, as metrics indicate poor data quality at this position in the gnomAD database. This variant has not been reported in the literature in individuals affected with MYOM1-related conditions. Advanced modeling of protein sequence and biophysical properties (such as structural, functional, and spatial information, amino acid conservation, physicochemical variation, residue mobility, and thermodynamic stability) performed at Invitae indicates that this missense variant is not expected to disrupt MYOM1 protein function with a negative predictive value of 80%. In summary, the available evidence is currently insufficient to determine the role of this variant in disease. Therefore, it has been classified as a Variant of Uncertain Significance.

Clinical Genomics Laboratory, Stanford Medicine
Classification: Uncertain significance. Last evaluated: 2023-05-09. Review status: criteria provided, single submitter. Criteria: ACMG Guidelines, 2015. Collection method: clinical testing. Allele origin: germline. Observed: 1 variant allele, 1 heterozygote.
Comment: The p.Glu1473Lys variant in the MYOM1 gene has not been previously reported in association with disease. This variant has been identified in 2/16,744 East Asian chromosomes (6/235,734 chromosomes overall) by the Genome Aggregation Database. The glutamic acid at position 1473 is moderately evolutionarily conserved. Computational tools predict that the p.Glu1473Lys variant is neither deleterious nor benign; however, the accuracy of in silico algorithms is limited. These data were assessed using the ACMG/AMP variant interpretation guidelines. In summary, the significance of the p.Glu1473Lys variant is uncertain. Additional information is needed to resolve the significance of this variant. [ACMG evidence codes used: PM2]